The following is an entry in ClinVar:

NM_006361.6(HOXB13):c.211C>T (p.Gln71Ter)

Gene: HOXB13 (homeobox B13; minus strand). Cytogenetic location: 17q21.32.
Variant type: single nucleotide variant.
Coding change: c.211C>T on transcript NM_006361.6 (MANE Select); coding-DNA position 211, C replaced by T.
Protein change: p.Gln71Ter; replaces glutamine 71 with a stop codon.
Molecular consequence: nonsense.
Genome position (GRCh38, 1-based): chr17:48,728,383, G>A on the plus strand (C>T on the coding strand, the complement: HOXB13 is on the minus strand). VCF-style: chr17-48728383-G-A. GRCh37 (hg19) VCF-style: chr17-46805745-G-A.
Other names: short protein forms Q71*.
Identifiers: ClinVar variation 1786223 (VCV001786223.8), dbSNP rs762197066, ClinGen allele CA8634041.

ClinVar aggregate classification (germline): Uncertain significance. Review status: criteria provided, multiple submitters, no conflicts (2 of 4 stars). 2 submissions from 2 submitters: Uncertain significance (2). Last evaluated 2024-03-01.

Conditions:
Hereditary cancer-predisposing syndrome. Also called: Neoplastic Syndromes, Hereditary; Tumor predisposition; Hereditary Cancer Syndrome; Hereditary neoplastic syndrome. Identifiers: Orphanet 140162, MedGen C0027672, MeSH D009386, MONDO:0015356.

Allele frequency attached by ClinVar (database versions not stated): gnomAD exomes below 0.00001; gnomAD 0.00001; TOPMed 0.00002.

Submissions (2):

Labcorp Genetics (formerly Invitae), Labcorp
Classification: Uncertain significance. Last evaluated: 2024-03-01. Review status: criteria provided, single submitter. Criteria: Invitae Variant Classification Sherloc (09022015). Collection method: clinical testing. Allele origin: germline.
Comment: This sequence change creates a premature translational stop signal (p.Gln71*) in the HOXB13 gene. It is expected to result in an absent or disrupted protein product. However, the current clinical and genetic evidence is not sufficient to establish whether loss-of-function variants in HOXB13 cause disease. This variant is present in population databases (rs762197066, gnomAD 0.0009%). This variant has not been reported in the literature in individuals affected with HOXB13-related conditions. ClinVar contains an entry for this variant (Variation ID: 1786223). In summary, the available evidence is currently insufficient to determine the role of this variant in disease. Therefore, it has been classified as a Variant of Uncertain Significance.

Ambry Genetics
Classification: Uncertain significance for Hereditary cancer-predisposing syndrome. Last evaluated: 2019-12-13. Review status: criteria provided, single submitter. Criteria: Ambry Variant Classification Scheme 2023. Collection method: clinical testing. Allele origin: germline.
Comment: The p.Q71* variant (also known as c.211C>T), located in coding exon 1 of the HOXB13 gene, results from a C to T substitution at nucleotide position 211. This changes the amino acid from a glutamine to a stop codon within coding exon 1. This alteration is expected to result in premature protein truncation or nonsense-mediated mRNA decay; however, loss of function of HOXB13 has not been clearly established as a mechanism of disease. Since supporting evidence is limited at this time, the clinical significance of this alteration remains unclear.